The following is an entry in ClinVar:

ClinVar aggregate classification (germline): Uncertain significance (1 of 4 stars; one submission).

Submission:

Labcorp Genetics (formerly Invitae), Labcorp
Classification: Uncertain significance. Last evaluated: 2022-06-20. Review status: criteria provided, single submitter. Criteria: Invitae Variant Classification Sherloc (09022015). Collection method: clinical testing. Allele origin: germline.
Comment: This variant has not been reported in the literature in individuals affected with PIGP-related conditions. This sequence change replaces tyrosine, which is neutral and polar, with asparagine, which is neutral and polar, at codon 54 of the PIGP protein (p.Tyr54Asn). This variant is not present in population databases (gnomAD no frequency). Algorithms developed to predict the effect of missense changes on protein structure and function (SIFT, PolyPhen-2, Align-GVGD) all suggest that this variant is likely to be disruptive. In summary, the available evidence is currently insufficient to determine the role of this variant in disease. Therefore, it has been classified as a Variant of Uncertain Significance.

NM_153682.3(PIGP):c.88T>A (p.Tyr30Asn)

Gene: PIGP (phosphatidylinositol glycan anchor biosynthesis class P; minus strand). Cytogenetic location: 21q22.13.
Variant type: single nucleotide variant.
Coding change: c.88T>A on transcript NM_153682.3 (MANE Select); coding-DNA position 88, T replaced by A.
Protein change: p.Tyr30Asn; replaces tyrosine 30 with asparagine.
Molecular consequence: missense variant.
Genome position (GRCh38, 1-based): chr21:37,069,619, A>T on the plus strand (T>A on the coding strand, the complement: PIGP is on the minus strand). VCF-style: chr21-37069619-A-T. GRCh37 (hg19) VCF-style: chr21-38441919-A-T.
Other names: c.88T>A, p.Tyr30Asn (NM_001320480.2); c.10T>A, p.Tyr4Asn (NM_016430.4); c.160T>A, p.Tyr54Asn (NM_153681.2); short protein forms Y30N, Y54N, Y4N.
Identifiers: ClinVar variation 1518249 (VCV001518249.8), dbSNP rs2146809225, ClinGen allele CA409920452.